The following is an entry in ClinVar:

ClinVar aggregate classification (germline): Benign/Likely benign. Review status: criteria provided, multiple submitters, no conflicts (2 of 4 stars). 5 submissions from 5 submitters: Benign (1); Likely benign (4). Last evaluated 2025-11-22.

Conditions:
Oligodontia-cancer predisposition syndrome. Also called: TOOTH AGENESIS-COLORECTAL CANCER SYNDROME. Identifiers: Orphanet 300576, MedGen C1837750, MONDO:0012075, OMIM 608615. Disease mechanism: loss of function.
Hereditary cancer-predisposing syndrome. Also called: Hereditary Cancer Syndrome; Hereditary neoplastic syndrome; Neoplastic Syndromes, Hereditary; Tumor predisposition. Identifiers: Orphanet 140162, MedGen C0027672, MeSH D009386, MONDO:0015356.

Allele frequency attached by ClinVar (database versions not stated): ExAC 0.00001; gnomAD exomes 0.00001.
gnomAD v4.1: 14 of 1,610,052 alleles (0.00087%); highest among the groups gnomAD compares: Non-Finnish European, 0.0012%; no homozygotes.

Submissions (5):

Labcorp Genetics (formerly Invitae), Labcorp
Classification: Likely benign for Oligodontia-cancer predisposition syndrome. Last evaluated: 2025-11-22. Review status: criteria provided, single submitter. Criteria: Invitae Variant Classification Sherloc (09022015). Collection method: clinical testing. Allele origin: germline.

Myriad Genetics, Inc.
Classification: Benign for Oligodontia-cancer predisposition syndrome. Last evaluated: 2024-06-25. Review status: criteria provided, single submitter. Criteria: Myriad Autosomal Dominant, Autosomal Recessive and X-Linked Classification Criteria (2023). Collection method: clinical testing. Allele origin: unknown.
Comment: This variant is considered benign. This variant is a silent/synonymous amino acid change and it is not expected to impact splicing.

Sema4
Classification: Likely benign for Hereditary cancer-predisposing syndrome. Last evaluated: 2022-02-16. Review status: criteria provided, single submitter. Criteria: Sema4 Curation Guidelines. Collection method: curation. Allele origin: germline.

Ambry Genetics
Classification: Likely benign for Hereditary cancer-predisposing syndrome. Last evaluated: 2020-11-11. Review status: criteria provided, single submitter. Criteria: Ambry Variant Classification Scheme 2023. Collection method: clinical testing. Allele origin: germline.

GeneDx
Classification: Likely benign. Last evaluated: 2020-09-08. Review status: criteria provided, single submitter. Criteria: GeneDx Variant Classification Process June 2021. Collection method: clinical testing. Allele origin: germline. Affected: yes.

NM_004655.4(AXIN2):c.30C>A (p.Leu10=)

Gene: AXIN2 (axin 2; minus strand). Cytogenetic location: 17q24.1.
Variant type: single nucleotide variant.
Coding change: c.30C>A on transcript NM_004655.4 (MANE Select); coding-DNA position 30, C replaced by A.
Protein change: p.Leu10=; no amino-acid change (leucine 10 retained).
Molecular consequence: synonymous variant.
Genome position (GRCh38, 1-based): chr17:65,558,591, G>T on the plus strand (C>A on the coding strand, the complement: AXIN2 is on the minus strand). VCF-style: chr17-65558591-G-T. GRCh37 (hg19) VCF-style: chr17-63554709-G-T.
Other names: c.30C>A, p.Leu10= (NM_001363813.1); c.30C>A (LRG_296t1).
Identifiers: ClinVar variation 385258 (VCV000385258.17), dbSNP rs761670939, ClinGen allele CA8719112.